The following is an entry in ClinVar:

NM_177438.3(DICER1):c.5694G>T (p.Arg1898Ser)

Gene: DICER1 (dicer 1, ribonuclease III; minus strand). Cytogenetic location: 14q32.13.
Variant type: single nucleotide variant.
Coding change: c.5694G>T on transcript NM_177438.3 (MANE Select); coding-DNA position 5694, G replaced by T.
Protein change: p.Arg1898Ser; replaces arginine 1898 with serine.
Molecular consequence: missense variant. On other transcripts: 3 prime UTR variant (1).
Genome position (GRCh38, 1-based): chr14:95,090,573, C>A on the plus strand (G>T on the coding strand, the complement: DICER1 is on the minus strand). VCF-style: chr14-95090573-C-A. GRCh37 (hg19) VCF-style: chr14-95556910-C-A.
Other names: c.*41G>T (NM_001195573.1); c.5694G>T, p.Arg1898Ser (NM_001271282.3, NM_001291628.2, NM_030621.4); short protein forms R1898S.
Identifiers: ClinVar variation 945662 (VCV000945662.11), dbSNP rs1889702641, ClinGen allele CA390863203.
Genomic context (GRCh38, chr14:95,090,573, plus strand): 5'-CTGAGGTTGATTAGCTTTGAGGCTTCGGAGGGCTCTTCTTGCTGCTGCAGATTTGGCAAT[C>A]CTGTAACTTCGACCAACACCTTTAAATTTCCCCTTTCCTACTACTTCCACAGTGACTCTG-3'
Protein context (NP_803187.1, residues 1888-1908): GKFKGVGRSY[Arg1898Ser]IAKSAAARRA

ClinVar aggregate classification (germline): Uncertain significance (1 of 4 stars; one submission).

Conditions:
DICER1-related tumor predisposition. Also called: DICER1-related pleuropulmonary blastoma cancer predisposition syndrome; DICER1 syndrome. Identifiers: Orphanet 284343, MedGen C3839822, MONDO:0100216.

Submission:

Labcorp Genetics (formerly Invitae), Labcorp
Classification: Uncertain significance for DICER1-related tumor predisposition. Last evaluated: 2019-04-22. Review status: criteria provided, single submitter. Criteria: Invitae Variant Classification Sherloc (09022015). Collection method: clinical testing. Allele origin: germline.
Comment: This sequence change replaces arginine with serine at codon 1898 of the DICER1 protein (p.Arg1898Ser). The arginine residue is highly conserved and there is a moderate physicochemical difference between arginine and serine. In summary, the available evidence is currently insufficient to determine the role of this variant in disease. Therefore, it has been classified as a Variant of Uncertain Significance. Algorithms developed to predict the effect of missense changes on protein structure and function (SIFT, PolyPhen-2, Align-GVGD) all suggest that this variant is likely to be disruptive, but these predictions have not been confirmed by published functional studies and their clinical significance is uncertain. This variant has not been reported in the literature in individuals with DICER1-related conditions. This variant is not present in population databases (ExAC no frequency).